The following is an entry in ClinVar:

ClinVar aggregate classification (germline): Uncertain significance (1 of 4 stars; one submission).

Allele frequency attached by ClinVar (database versions not stated): gnomAD exomes below 0.00001.
gnomAD v4.1: 1 of 1,548,360 alleles (0.000065%); highest among the groups gnomAD compares: South Asian, 0.0012%; no homozygotes.

Submission:

Labcorp Genetics (formerly Invitae), Labcorp
Classification: Uncertain significance. Last evaluated: 2020-06-27. Review status: criteria provided, single submitter. Criteria: Invitae Variant Classification Sherloc (09022015). Collection method: clinical testing. Allele origin: germline.
Comment: This sequence change replaces valine with methionine at codon 185 of the DTHD1 protein (p.Val185Met). The valine residue is highly conserved and there is a small physicochemical difference between valine and methionine. In summary, the available evidence is currently insufficient to determine the role of this variant in disease. Therefore, it has been classified as a Variant of Uncertain Significance. Algorithms developed to predict the effect of missense changes on protein structure and function are either unavailable or do not agree on the potential impact of this missense change (SIFT: "Deleterious"; PolyPhen-2: "Possibly Damaging"; Align-GVGD: "Class C0"). This variant has not been reported in the literature in individuals with DTHD1-related conditions. This variant is not present in population databases (ExAC no frequency).

NM_001170700.3(DTHD1):c.1423G>A (p.Val475Met)

Gene: DTHD1 (death domain containing 1; plus strand). Cytogenetic location: 4p14.
Variant type: single nucleotide variant.
Coding change: c.1423G>A on transcript NM_001170700.3 (MANE Select); coding-DNA position 1423, G replaced by A.
Protein change: p.Val475Met; replaces valine 475 with methionine.
Molecular consequence: missense variant. On other transcripts: non-coding transcript variant (2).
Genome position (GRCh38, 1-based): chr4:36,294,819, G>A. VCF-style: chr4-36294819-G-A. GRCh37 (hg19) VCF-style: chr4-36296441-G-A.
Other names: c.553G>A, p.Val185Met (NM_001136536.5); c.490G>A, p.Val164Met (NM_001378435.1); short protein forms V164M, V185M, V475M.
Identifiers: ClinVar variation 1021803 (VCV001021803.8), dbSNP rs1756292150, ClinGen allele CA356679768.
Genomic context (GRCh38, chr4:36,294,819, plus strand): 5'-TATTAAAACATAAGAAAAAATATATTTTTTGTTTAGATCCAACCAGTTGACCCAGCTCTG[G>A]TGGCACATTTAAAAGCACAGCAAGATACTTTCTACTCAGTCCAATCCACAAGCCCTCTGA-3'
Protein context (NP_001164171.2, residues 465-485): LKIQPVDPAL[Val475Met]AHLKAQQDTF